The following is an entry in ClinVar:

NM_032638.5(GATA2):c.170A>C (p.Asn57Thr)

Gene: GATA2 (GATA binding protein 2; minus strand). Cytogenetic location: 3q21.3.
Variant type: single nucleotide variant.
Coding change: c.170A>C on transcript NM_032638.5 (MANE Select); coding-DNA position 170, A replaced by C.
Protein change: p.Asn57Thr; replaces asparagine 57 with threonine.
Molecular consequence: missense variant.
Genome position (GRCh38, 1-based): chr3:128,486,862, T>G on the plus strand (A>C on the coding strand, the complement: GATA2 is on the minus strand). VCF-style: chr3-128486862-T-G. GRCh37 (hg19) VCF-style: chr3-128205705-T-G.
Other names: c.170A>C, p.Asn57Thr (NM_001145661.2, NM_001145662.1); short protein forms N57T.
Identifiers: ClinVar variation 857054 (VCV000857054.9), dbSNP rs2068708141, ClinGen allele CA354408492.

ClinVar aggregate classification (germline): Uncertain significance (1 of 4 stars; one submission).

Conditions:
Deafness-lymphedema-leukemia syndrome. Also called: Lymphedema, primary, with myelodysplasia; Emberger syndrome. Identifiers: Orphanet 3226, MedGen C3279664, MONDO:0013540, OMIM 614038.
Monocytopenia with susceptibility to infections. Also called: Dendritic cell, monocyte, B lymphocyte, and natural killer lymphocyte deficiency; MONOCYTOPENIA AND MYCOBACTERIAL INFECTION SYNDROME; MONOCYTOPENIA WITH SUSCEPTIBILITY TO MYCOBACTERIAL, FUNGAL, AND PAPILLOMAVIRUS INFECTIONS AND MYELODYSPLASIA; COMBINED IMMUNODEFICIENCY WITH SUSCEPTIBILITY TO MYCOBACTERIAL, VIRAL, AND FUNGAL INFECTIONS; IMMUNODEFICIENCY 21; GATA2 DEFICIENCY. Identifiers: Orphanet 228423, MedGen C3280030, MONDO:0013607, OMIM 614172.

Allele frequency attached by ClinVar (database versions not stated): gnomAD exomes below 0.00001.
gnomAD v4.1: 2 of 1,612,366 alleles (0.00012%); highest among the groups gnomAD compares: Non-Finnish European, 0.00017%; no homozygotes.

Submission:

Labcorp Genetics (formerly Invitae), Labcorp
Classification: Uncertain significance for Monocytopenia with susceptibility to infections; Deafness-lymphedema-leukemia syndrome. Last evaluated: 2023-02-03. Review status: criteria provided, single submitter. Criteria: Invitae Variant Classification Sherloc (09022015). Collection method: clinical testing. Allele origin: germline.
Comment: This sequence change replaces asparagine, which is neutral and polar, with threonine, which is neutral and polar, at codon 57 of the GATA2 protein (p.Asn57Thr). Advanced modeling of protein sequence and biophysical properties (such as structural, functional, and spatial information, amino acid conservation, physicochemical variation, residue mobility, and thermodynamic stability) performed at Invitae indicates that this missense variant is not expected to disrupt GATA2 protein function. In summary, the available evidence is currently insufficient to determine the role of this variant in disease. Therefore, it has been classified as a Variant of Uncertain Significance. ClinVar contains an entry for this variant (Variation ID: 857054). This variant is not present in population databases (gnomAD no frequency). This variant has not been reported in the literature in individuals affected with GATA2-related conditions.